The following is an entry in ClinVar:

NM_000465.4(BARD1):c.212G>T (p.Cys71Phe)

Gene: BARD1 (BRCA1 associated RING domain 1; minus strand). Cytogenetic location: 2q35.
Variant type: single nucleotide variant.
Coding change: c.212G>T on transcript NM_000465.4 (MANE Select); coding-DNA position 212, G replaced by T.
Protein change: p.Cys71Phe; replaces cysteine 71 with phenylalanine.
Molecular consequence: missense variant. On other transcripts: non-coding transcript variant (2), intron variant (2).
Genome position (GRCh38, 1-based): chr2:214,797,064, C>A on the plus strand (G>T on the coding strand, the complement: BARD1 is on the minus strand). VCF-style: chr2-214797064-C-A. GRCh37 (hg19) VCF-style: chr2-215661788-C-A.
Other names: c.212G>T, p.Cys71Phe (NM_001282545.2, NM_001282549.2); c.158+12348G>T (NM_001282548.2); c.159-4619G>T (NM_001282543.2); short protein forms C71F.
Identifiers: ClinVar variation 419566 (VCV000419566.54), dbSNP rs1064793959, ClinGen allele CA16617457.

ClinVar aggregate classification (germline): Uncertain significance. Review status: criteria provided, multiple submitters, no conflicts (2 of 4 stars). 8 submissions from 8 submitters: Uncertain significance (8). Last evaluated 2026-02-23.

Conditions:
Hereditary cancer-predisposing syndrome. Also called: Tumor predisposition; Hereditary neoplastic syndrome; Hereditary Cancer Syndrome; Neoplastic Syndromes, Hereditary. Identifiers: Orphanet 140162, MedGen C0027672, MeSH D009386, MONDO:0015356.
Hereditary breast ovarian cancer syndrome. Also called: Hereditary breast and ovarian cancer syndrome; BRCA1- and BRCA2-Associated Hereditary Breast and Ovarian Cancer; Hereditary breast and/or ovarian cancer syndrome; Hereditary breast and ovarian cancer syndrome (HBOC); Breast and ovarian cancer; Hereditary breast and ovarian cancer. Identifiers: Orphanet 145, MedGen C0677776, MeSH D061325, MONDO:0003582. Disease mechanism: loss of function.
Familial cancer of breast. Also called: hereditary breast carcinoma; BREAST CANCER, FAMILIAL; Hereditary breast cancer. Identifiers: Orphanet 227535, MedGen C0346153, MONDO:0016419, OMIM 114480. Disease mechanism: loss of function.

Allele frequency attached by ClinVar (database versions not stated): gnomAD exomes below 0.00001; gnomAD 0.00003.
gnomAD v4.1: 2 of 1,610,812 alleles (0.00012%); highest among the groups gnomAD compares: Non-Finnish European, 0.00017%; no homozygotes.

Submissions (8):

Ambry Genetics
Classification: Uncertain significance for Hereditary cancer-predisposing syndrome. Last evaluated: 2026-02-23. Review status: criteria provided, single submitter. Criteria: Ambry Variant Classification Scheme 2023. Collection method: clinical testing. Allele origin: germline.

Labcorp Genetics (formerly Invitae), Labcorp
Classification: Uncertain significance for Familial cancer of breast. Last evaluated: 2025-12-24. Review status: criteria provided, single submitter. Criteria: Invitae Variant Classification Sherloc (09022015). Collection method: clinical testing. Allele origin: germline.
Comment: This sequence change replaces cysteine, which is neutral and slightly polar, with phenylalanine, which is neutral and non-polar, at codon 71 of the BARD1 protein (p.Cys71Phe). This variant is present in population databases (no rsID available, gnomAD no frequency). This variant has not been reported in the literature in individuals affected with BARD1-related conditions. ClinVar contains an entry for this variant (Variation ID: 419566). An algorithm developed to predict the effect of missense changes on protein structure and function (PolyPhen-2) suggests that this variant is likely to be disruptive. This variant disrupts the p.Cys71 amino acid residue in BARD1. Other variant(s) that disrupt this residue have been determined to be pathogenic (PMID: 26350354, 29367421). This suggests that this residue is clinically significant, and that variants that disrupt this residue are likely to be disease-causing. In summary, the available evidence is currently insufficient to determine the role of this variant in disease. Therefore, it has been classified as a Variant of Uncertain Significance.

Color Diagnostics, LLC DBA Color Health
Classification: Uncertain significance for Hereditary cancer-predisposing syndrome. Last evaluated: 2025-11-06. Review status: criteria provided, single submitter. Criteria: ACMG Guidelines, 2015. Collection method: clinical testing. Allele origin: germline.
Comment: This missense variant replaces cysteine with phenylalanine at codon 71 in the RING domain of the BARD1 protein. This variant alters one of the zinc-binding residues of the RING domain and is thought to be important for BARD1 protein function (PMID: 2936742). Computational prediction suggests that this variant may have deleterious impact on protein structure and function. To our knowledge, functional studies have not been reported for this variant. This variant has been identified in 1/31398 chromosomes in the general population by the Genome Aggregation Database (gnomAD). A different missense variant affecting the same codon position, p.Cys71Tyr, is known to disrupt BARD1 protein function (PMID: 26350354, 29367421) and is reported as disease-causing (ClinVar variation ID: 978478). Although there is a suspicion that this variant may have a pathogenic role, additional evidence is necessary to determine the role of this variant in disease conclusively. Therefore, this variant is classified as a Variant of Uncertain Significance.

German Consortium for Hereditary Breast and Ovarian Cancer, University Hospital Cologne
Classification: Uncertain significance for Hereditary breast ovarian cancer syndrome. Last evaluated: 2024-02-15. Review status: criteria provided, single submitter. Criteria: ACMG Guidelines, 2015. Collection method: curation. Allele origin: germline.
Comment: According to the ACMG SVI adaptation criteria we chose these criteria: PM2 (supporting pathogenic): gnomAD V.4.0 found in 2 individuals of 550000, not in gnomAD V3.1.2 nonCancer. Found 9 times in (~80K) GC-HBOC cases , PM5 (medium pathogenic): Lee et al. p.C71Y: only 14% HDR function, PP3 (medium pathogenic): REVEL 0.890

Baylor Genetics
Classification: Uncertain significance for Familial cancer of breast. Last evaluated: 2023-07-07. Review status: criteria provided, single submitter. Criteria: ACMG Guidelines, 2015. Collection method: clinical testing. Allele origin: unknown.

CeGaT Center for Human Genetics Tuebingen
Classification: Uncertain significance. Last evaluated: 2023-01-01. Review status: criteria provided, single submitter. Criteria: CeGaT Center For Human Genetics Tuebingen Variant Classification Criteria Version 2. Collection method: clinical testing. Allele origin: germline. Affected: yes. Observed: 2 variant alleles.
Comment: BARD1: PM2, PM5

Women's Health and Genetics/Laboratory Corporation of America, LabCorp
Classification: Uncertain significance. Last evaluated: 2018-09-13. Review status: criteria provided, single submitter. Criteria: LabCorp Variant Classification Summary - May 2015. Collection method: clinical testing. Allele origin: germline.
Comment: Variant summary: BARD1 c.212G>T (p.Cys71Phe) results in a non-conservative amino acid change located in the RING-type zinc finger domain (IPR039503) that affects a Cys residue involved in zinc binding and is completely conserved across all sequenced species (Stewart 2018). Five of five in-silico tools predict a damaging effect of the variant on protein function. The variant was absent in 121310 control chromosomes (ExAC). The available data on variant occurrences in the general population are insufficient to allow any conclusion about variant significance. To our knowledge, no occurrence of c.212G>T in individuals affected with Hereditary Breast and Ovarian Cancer and no experimental evidence demonstrating its impact on protein function have been reported. Three clinical diagnostic laboratories have submitted clinical-significance assessments for this variant to ClinVar after 2014 without evidence for independent evaluation. All laboratories classified the variant as uncertain significance. Based on the evidence outlined above, the variant was classified as uncertain significance.

GeneDx
Classification: Uncertain significance. Last evaluated: 2015-07-28. Review status: criteria provided, single submitter. Criteria: GeneDx Variant Classification (06012015). Collection method: clinical testing. Allele origin: germline. Affected: yes.
Comment: This variant is denoted BARD1 c.212G>T at the cDNA level, p.Cys71Phe (C71F) at the protein level, and results in the change of a Cysteine to a Phenylalanine (TGT>TTT). This variant has not, to our knowledge, been published in the literature as pathogenic or benign. BARD1 Cys71Phe was not observed in approximately 6,500 individuals of European and African American ancestry in the NHLBI Exome Sequencing Project, indicating it is not a common benign variant in these populations. Since Cysteine and Phenylalanine differ in polarity, charge, size or other properties, this is considered a non-conservative amino acid substitution. BARD1 Cys71Phe occurs at a position that is conserved across species and is located within the RING-type region (UniProt). In silico analyses predict that this variant is probably damaging to protein structure and function. Based on currently available information, it is unclear whether BARD1 Cys71Phe is pathogenic or benign. We consider it to be a variant of uncertain significance.

Literature cited by the submitters: PubMed 26350354 (cited by Labcorp Genetics (formerly Invitae), Labcorp and Color Diagnostics, LLC DBA Color Health); PubMed 29367421 (cited by 3 submitters); PubMed 2936742 (cited by Color Diagnostics, LLC DBA Color Health); PubMed 34680878 (cited by Color Diagnostics, LLC DBA Color Health).